The following is an entry in ClinVar:

ClinVar aggregate classification (germline): Uncertain significance (1 of 4 stars; one submission).

Conditions:
Seizures, benign familial infantile, 3 (BFIS3). Also called: CONVULSIONS, BENIGN FAMILIAL INFANTILE, 3; Familial neonatal seizures. Identifiers: Orphanet 140927, Orphanet 306, MedGen C1843140, MONDO:0011904, OMIM 607745.
Developmental and epileptic encephalopathy, 11 (DEE11). Also called: Early infantile epileptic encephalopathy 11. Identifiers: Orphanet 1934, MedGen C3150987, MONDO:0013388, OMIM 613721.

Submission:

Labcorp Genetics (formerly Invitae), Labcorp
Classification: Uncertain significance for Seizures, benign familial infantile, 3; Developmental and epileptic encephalopathy, 11. Last evaluated: 2024-02-17. Review status: criteria provided, single submitter. Criteria: Invitae Variant Classification Sherloc (09022015). Collection method: clinical testing. Allele origin: germline.
Comment: This sequence change replaces aspartic acid, which is acidic and polar, with histidine, which is basic and polar, at codon 55 of the SCN2A protein (p.Asp55His). This variant is not present in population databases (gnomAD no frequency). This missense change has been observed in individual(s) with clinical features of SCN2A-related conditions (Invitae). Advanced modeling of protein sequence and biophysical properties (such as structural, functional, and spatial information, amino acid conservation, physicochemical variation, residue mobility, and thermodynamic stability) performed at Invitae indicates that this missense variant is expected to disrupt SCN2A protein function with a positive predictive value of 95%. In summary, the available evidence is currently insufficient to determine the role of this variant in disease. Therefore, it has been classified as a Variant of Uncertain Significance.

NM_001040142.2(SCN2A):c.163G>C (p.Asp55His)

Gene: SCN2A (sodium voltage-gated channel alpha subunit 2; plus strand). Cytogenetic location: 2q24.3.
Variant type: single nucleotide variant.
Coding change: c.163G>C on transcript NM_001040142.2 (MANE Select); coding-DNA position 163, G replaced by C.
Protein change: p.Asp55His; replaces aspartic acid 55 with histidine.
Molecular consequence: missense variant.
Genome position (GRCh38, 1-based): chr2:165,295,986, G>C. VCF-style: chr2-165295986-G-C. GRCh37 (hg19) VCF-style: chr2-166152496-G-C.
Other names: c.163G>C, p.Asp55His (NM_001040143.2, NM_001371246.1, NM_001371247.1 and 1 more transcripts); short protein forms D55H.
Identifiers: ClinVar variation 2945463 (VCV002945463.3), dbSNP rs2467838667, ClinGen allele CA349010261.